The following is an entry in ClinVar:

NM_022098.4(XPNPEP3):c.*2649A>G

Gene: XPNPEP3 (X-prolyl aminopeptidase 3; plus strand). Cytogenetic location: 22q13.2.
Variant type: single nucleotide variant.
Coding change: c.*2649A>G on transcript NM_022098.4 (MANE Select); 2649 bases downstream of the stop codon, A replaced by G.
Molecular consequence: 3 prime UTR variant.
Genome position (GRCh38, 1-based): chr22:40,929,084, A>G. VCF-style: chr22-40929084-A-G. GRCh37 (hg19) VCF-style: chr22-41325088-A-G.
Identifiers: ClinVar variation 901784 (VCV000901784.4), dbSNP rs554227485, ClinGen allele CA324453976.

ClinVar aggregate classification (germline): Likely benign (1 of 4 stars; one submission).

Conditions:
Nephronophthisis-like nephropathy 1 (NPHPL1). Identifiers: Orphanet 655, MedGen C3150419, MONDO:0013163, OMIM 613159.

Allele frequency attached by ClinVar (database versions not stated): gnomAD 0.00014 and 0.00015; TOPMed 0.00014; 1000 Genomes Project 0.00060; 1000 Genomes Project 30x 0.00062.

Submission:

Illumina Laboratory Services, Illumina
Classification: Likely benign for Nephronophthisis-like nephropathy 1. Last evaluated: 2018-01-13. Review status: criteria provided, single submitter. Criteria: ICSL Variant Classification Criteria 13 December 2019. Collection method: clinical testing. Allele origin: germline.
Comment: This variant was observed in the ICSL laboratory as part of a predisposition screen in an ostensibly healthy population. It had not been previously curated by ICSL or reported in the Human Gene Mutation Database (HGMD: prior to June 1st, 2018), and was therefore a candidate for classification through an automated scoring system. Utilizing variant allele frequency, disease prevalence and penetrance estimates, and inheritance mode, an automated score was calculated to assess if this variant is too frequent to cause the disease. Based on the score and internal cut-off values, a variant classified as likely benign is not then subjected to further curation. The score for this variant resulted in a classification of likely benign for this disease.